The following is an entry in ClinVar:

NM_005515.4(MNX1):c.1081GACGAGGAC[1] (p.361DED[1])

Gene: MNX1 (motor neuron and pancreas homeobox 1; minus strand). Cytogenetic location: 7q36.3.
Variant type: Microsatellite.
Coding change: c.1081GACGAGGAC[1] on transcript NM_005515.4 (MANE Select); one copy of the 9-base unit GACGAGGAC starting at c.1081; the reference has two copies in a row; one copy, 9 bases deleted; also written c.1090_1098del.
Protein change: p.361DED[1].
Molecular consequence: inframe deletion.
Genome position (GRCh38, 1-based): chr7:157,005,628-157,005,636, GTCCTCGTC deleted on the plus strand (GACGAGGAC on the coding strand, the reverse complement: MNX1 is on the minus strand); deleting any 9 consecutive bases within chr7:157,005,628-157,005,645 gives the same sequence; the position shown is the placement nearest the transcript's 3' end. VCF-style (leftmost placement, unchanged base first): chr7-157005627-GGTCCTCGTC-G. GRCh37 (hg19) VCF-style: chr7-156798321-GGTCCTCGTC-G.
Other names: c.445GACGAGGAC[1], p.149DED[1] (NM_001165255.2); c.1090_1098del (NM_005515.4).
Identifiers: ClinVar variation 1480698 (VCV001480698.10), dbSNP rs762400153, ClinGen allele CA4589116.

ClinVar aggregate classification (germline): Uncertain significance. Review status: criteria provided, multiple submitters, no conflicts (2 of 4 stars). 2 submissions from 2 submitters: Uncertain significance (2). Last evaluated 2024-05-31.

Conditions:
Currarino triad. Identifiers: Orphanet 1552, MedGen C1531773, MONDO:0008305, OMIM 176450.

Submissions (2):

Fulgent Genetics
Classification: Uncertain significance for Currarino triad. Last evaluated: 2024-05-31. Review status: criteria provided, single submitter. Criteria: ACMG Guidelines, 2015. Collection method: clinical testing. Allele origin: germline.

Labcorp Genetics (formerly Invitae), Labcorp
Classification: Uncertain significance. Last evaluated: 2021-04-08. Review status: criteria provided, single submitter. Criteria: Invitae Variant Classification Sherloc (09022015). Collection method: clinical testing. Allele origin: germline.
Comment: In summary, the available evidence is currently insufficient to determine the role of this variant in disease. Therefore, it has been classified as a Variant of Uncertain Significance. Experimental studies and prediction algorithms are not available or were not evaluated, and the functional significance of this variant is currently unknown. This variant has not been reported in the literature in individuals with MNX1-related conditions. This variant is present in population databases (rs762400153, ExAC 0.02%). This variant, c.1090_1098del, results in the deletion of 3 amino acid(s) of the MNX1 protein (p.Asp364_Asp366del), but otherwise preserves the integrity of the reading frame.